The following is an entry in ClinVar:

NM_199242.3(UNC13D):c.1052T>C (p.Met351Thr)

Gene: UNC13D (unc-13 homolog D; minus strand). Cytogenetic location: 17q25.1.
Variant type: single nucleotide variant.
Coding change: c.1052T>C on transcript NM_199242.3 (MANE Select); coding-DNA position 1052, T replaced by C.
Protein change: p.Met351Thr; replaces methionine 351 with threonine.
Molecular consequence: missense variant.
Genome position (GRCh38, 1-based): chr17:75,839,842, A>G on the plus strand (T>C on the coding strand, the complement: UNC13D is on the minus strand). VCF-style: chr17-75839842-A-G. GRCh37 (hg19) VCF-style: chr17-73835923-A-G.
Other names: short protein forms M351T.
Identifiers: ClinVar variation 2195267 (VCV002195267.4), dbSNP rs1390166456, ClinGen allele CA401105806.
Genomic context (GRCh38, chr17:75,839,842, plus strand): 5'-GGCAGGGGGCGTGGGGGGCTGGTGGCTCAGGGGTTCTGCCCAGGGCTGTGTACTCACGCC[A>G]TGGACTGGTGGAAGTCGGATAGGTCCTTCTGTGTGGCGTGCAGAAAGAGGACGGTGGCAG-3'
Protein context (NP_954712.1, residues 341-361): QKDLSDFHQS[Met351Thr]AQWLAYSRLY

ClinVar aggregate classification (germline): Uncertain significance (1 of 4 stars; one submission).

Conditions:
Familial hemophagocytic lymphohistiocytosis 3 (FHL3). Also called: UNC13D-Related Familial Hemophagocytic Lymphohistiocytosis (UNC13D-fHLH). Identifiers: Orphanet 540, MedGen C1837174, MONDO:0012146, OMIM 608898.

Allele frequency attached by ClinVar (database versions not stated): gnomAD exomes below 0.00001.

Submission:

Labcorp Genetics (formerly Invitae), Labcorp
Classification: Uncertain significance for Familial hemophagocytic lymphohistiocytosis 3. Last evaluated: 2022-07-17. Review status: criteria provided, single submitter. Criteria: Invitae Variant Classification Sherloc (09022015). Collection method: clinical testing. Allele origin: germline.
Comment: This sequence change replaces methionine, which is neutral and non-polar, with threonine, which is neutral and polar, at codon 351 of the UNC13D protein (p.Met351Thr). In summary, the available evidence is currently insufficient to determine the role of this variant in disease. Therefore, it has been classified as a Variant of Uncertain Significance. Algorithms developed to predict the effect of missense changes on protein structure and function are either unavailable or do not agree on the potential impact of this missense change (SIFT: "Not Available"; PolyPhen-2: "Benign"; Align-GVGD: "Not Available"). This variant has not been reported in the literature in individuals affected with UNC13D-related conditions. This variant is present in population databases (no rsID available, gnomAD 0.006%).